The following is an entry in ClinVar:

ClinVar aggregate classification (germline): Uncertain significance (1 of 4 stars; one submission).

Submission:

Labcorp Genetics (formerly Invitae), Labcorp
Classification: Uncertain significance. Last evaluated: 2023-08-02. Review status: criteria provided, single submitter. Criteria: Invitae Variant Classification Sherloc (09022015). Collection method: clinical testing. Allele origin: germline.
Comment: In summary, the available evidence is currently insufficient to determine the role of this variant in disease. Therefore, it has been classified as a Variant of Uncertain Significance. This variant has not been reported in the literature in individuals affected with ANKRD26-related conditions. An algorithm developed to predict the effect of missense changes on protein structure and function (PolyPhen-2) suggests that this variant is likely to be disruptive. This sequence change replaces proline, which is neutral and non-polar, with leucine, which is neutral and non-polar, at codon 182 of the ANKRD26 protein (p.Pro182Leu). This variant is not present in population databases (gnomAD no frequency).

NM_014915.3(ANKRD26):c.545C>T (p.Pro182Leu)

Gene: ANKRD26 (ankyrin repeat domain 26; minus strand). Cytogenetic location: 10p12.1.
Variant type: single nucleotide variant.
Coding change: c.545C>T on transcript NM_014915.3 (MANE Select); coding-DNA position 545, C replaced by T.
Protein change: p.Pro182Leu; replaces proline 182 with leucine.
Molecular consequence: missense variant.
Genome position (GRCh38, 1-based): chr10:27,092,499, G>A on the plus strand (C>T on the coding strand, the complement: ANKRD26 is on the minus strand). VCF-style: chr10-27092499-G-A. GRCh37 (hg19) VCF-style: chr10-27381428-G-A.
Other names: c.545C>T, p.Pro182Leu (NM_001256053.2); short protein forms P182L.
Identifiers: ClinVar variation 2840565 (VCV002840565.3), dbSNP rs2539274212, ClinGen allele CA376366935.